The following is an entry in ClinVar:

NM_000277.3(PAH):c.1276A>C (p.Asn426His)

Gene: PAH (phenylalanine hydroxylase; minus strand). Cytogenetic location: 12q23.2.
Variant type: single nucleotide variant.
Coding change: c.1276A>C on transcript NM_000277.3 (MANE Select); coding-DNA position 1276, A replaced by C.
Protein change: p.Asn426His; replaces asparagine 426 with histidine.
Molecular consequence: missense variant.
Genome position (GRCh38, 1-based): chr12:102,840,439, T>G on the plus strand (A>C on the coding strand, the complement: PAH is on the minus strand). VCF-style: chr12-102840439-T-G. GRCh37 (hg19) VCF-style: chr12-103234217-T-G.
Other names: c.1276A>C, p.Asn426His (NM_001354304.2); short protein forms N426H.
Identifiers: ClinVar variation 3648333 (VCV003648333.2).

ClinVar aggregate classification (germline): Uncertain significance (1 of 4 stars; one submission).

Conditions:
Phenylketonuria (PKU). Also called: FOLLING DISEASE; OLIGOPHRENIA PHENYLPYRUVICA; Phenylketonurias; Phenylketonuria (PKU). Identifiers: Orphanet 716, MedGen C0031485, MONDO:0009861, OMIM 261600. Disease mechanism: loss of function.

Submission:

Labcorp Genetics (formerly Invitae), Labcorp
Classification: Uncertain significance for Phenylketonuria. Last evaluated: 2024-04-01. Review status: criteria provided, single submitter. Criteria: Invitae Variant Classification Sherloc (09022015). Collection method: clinical testing. Allele origin: germline.
Comment: This sequence change replaces asparagine, which is neutral and polar, with histidine, which is basic and polar, at codon 426 of the PAH protein (p.Asn426His). This variant is not present in population databases (gnomAD no frequency). This missense change has been observed in individual(s) with clinical features of PAH-related condition (Invitae). In at least one individual the data is consistent with being in trans (on the opposite chromosome) from a pathogenic variant. Advanced modeling of protein sequence and biophysical properties (such as structural, functional, and spatial information, amino acid conservation, physicochemical variation, residue mobility, and thermodynamic stability) performed at Invitae indicates that this missense variant is not expected to disrupt PAH protein function with a negative predictive value of 80%. In summary, the available evidence is currently insufficient to determine the role of this variant in disease. Therefore, it has been classified as a Variant of Uncertain Significance.